The following is an entry in ClinVar:

ClinVar aggregate classification (germline): Uncertain significance (1 of 4 stars; one submission).

Conditions:
Cardiovascular phenotype. Identifiers: MedGen CN230736.

gnomAD v4.1: 1 of 1,613,738 alleles (0.000062%); highest among the groups gnomAD compares: African/African-American, 0.0013%; no homozygotes.

Submission:

Ambry Genetics
Classification: Uncertain significance for Cardiovascular phenotype. Last evaluated: 2025-11-18. Review status: criteria provided, single submitter. Criteria: Ambry Variant Classification Scheme 2023. Collection method: clinical testing. Allele origin: germline.
Comment: The p.H661N variant (also known as c.1981C>A), located in coding exon 12 of the CBL gene, results from a C to A substitution at nucleotide position 1981. The histidine at codon 661 is replaced by asparagine, an amino acid with similar properties. This amino acid position is conserved. In addition, this alteration is predicted to be tolerated by in silico analysis. Based on the available evidence, the clinical significance of this variant remains unclear.

NM_005188.4(CBL):c.1981C>A (p.His661Asn)

Gene: CBL (Cbl proto-oncogene; plus strand). Cytogenetic location: 11q23.3.
Variant type: single nucleotide variant.
Coding change: c.1981C>A on transcript NM_005188.4 (MANE Select); coding-DNA position 1981, C replaced by A.
Protein change: p.His661Asn; replaces histidine 661 with asparagine.
Molecular consequence: missense variant.
Genome position (GRCh38, 1-based): chr11:119,287,891, C>A. VCF-style: chr11-119287891-C-A. GRCh37 (hg19) VCF-style: chr11-119158601-C-A.
Other names: short protein forms H661N.
Identifiers: ClinVar variation 3137957 (VCV003137957.2), dbSNP rs2135312925, ClinGen allele CA382922452.
Genomic context (GRCh38, chr11:119,287,891, plus strand): 5'-ACACTTTTCTTTACTTTCCAGAGTATGAATAGCAGCCCATTAGTAGGTCCAGAGTGTGAC[C>A]ACCCCAAAATCAAACCTTCCTCATCTGCCAATGCCATTTATTCTCTGGCTGCCAGGTAAG-3'
Protein context (NP_005179.2, residues 651-671): SSPLVGPECD[His661Asn]PKIKPSSSAN